The following is an entry in ClinVar:

NM_000218.3(KCNQ1):c.1514+996G>A

Genes: KCNQ1 (potassium voltage-gated channel subfamily Q member 1; plus strand), KCNQ1OT1 (KCNQ1 opposite strand/antisense transcript 1; minus strand). Cytogenetic location: 11p15.5.
Variant type: single nucleotide variant.
Coding change: c.1514+996G>A on transcript NM_000218.3 (MANE Select); 996 bases into the intron after coding-DNA position 1514, G replaced by A.
Molecular consequence: intron variant. On other transcripts: non-coding transcript variant (1).
Genome position (GRCh38, 1-based): chr11:2,663,077, G>A. VCF-style: chr11-2663077-G-A. GRCh37 (hg19) VCF-style: chr11-2684307-G-A.
Other names: c.1244+996G>A (NM_001406837.1); c.1418+996G>A (NM_001406836.1); c.974+996G>A (NM_001406838.1); c.1133+996G>A (NM_181798.2).
Identifiers: ClinVar variation 3389323 (VCV003389323.14).

ClinVar aggregate classification (germline): Likely benign (1 of 4 stars; one submission).

gnomAD v4.1: 77 of 398,656 alleles (0.019%); highest among the groups gnomAD compares: Non-Finnish European, 0.031%; no homozygotes.

Submission:

CeGaT Center for Human Genetics Tuebingen
Classification: Likely benign. Last evaluated: 2024-10-01. Review status: criteria provided, single submitter. Criteria: CeGaT Center For Human Genetics Tuebingen Variant Classification Criteria Version 2. Collection method: clinical testing. Allele origin: germline. Affected: yes. Observed: 1 variant allele.
Comment: KCNQ1OT1: BS2